The following is an entry in ClinVar:

NM_001379500.1(COL18A1):c.1305C>A (p.Gly435=)

Gene: COL18A1 (collagen type XVIII alpha 1 chain; plus strand). Cytogenetic location: 21q22.3.
Variant type: single nucleotide variant.
Coding change: c.1305C>A on transcript NM_001379500.1 (MANE Select); coding-DNA position 1305, C replaced by A.
Protein change: p.Gly435=; no amino-acid change (glycine 435 retained).
Molecular consequence: synonymous variant.
Genome position (GRCh38, 1-based): chr21:45,479,958, C>A. VCF-style: chr21-45479958-C-A. GRCh37 (hg19) VCF-style: chr21-46899872-C-A.
Other names: NM_130445.2:c.1305C>A; c.1845C>A, p.Gly615= (NM_030582.4); c.2550C>A, p.Gly850= (NM_130444.3).
Identifiers: ClinVar variation 340218 (VCV000340218.16), dbSNP rs1131102, ClinGen allele CA10066226.

ClinVar aggregate classification (germline): Benign. Review status: criteria provided, multiple submitters, no conflicts (2 of 4 stars). 4 submissions from 4 submitters: Benign (4). Last evaluated 2026-02-04.

Conditions:
Knobloch syndrome (KNO). Also called: RETINAL DETACHMENT AND OCCIPITAL ENCEPHALOCELE; Myopia retinal detachment encephalocele. Identifiers: Orphanet 1571, MedGen C1849409, MONDO:0800166.

Allele frequency attached by ClinVar (database versions not stated): ESP Exome Variant Server 0.11418; TOPMed 0.11645; 1000 Genomes Project 30x 0.13663; 1000 Genomes Project 0.14038.
gnomAD v4.1: 121,815 of 1,611,826 alleles (7.6%); highest among the groups gnomAD compares: African/African-American, 22%; 6,151 homozygotes.

Submissions (4):

Labcorp Genetics (formerly Invitae), Labcorp
Classification: Benign. Last evaluated: 2026-02-04. Review status: criteria provided, single submitter. Criteria: Invitae Variant Classification Sherloc (09022015). Collection method: clinical testing. Allele origin: germline.

GeneDx
Classification: Benign. Last evaluated: 2021-05-04. Review status: criteria provided, single submitter. Criteria: GeneDx Variant Classification Process June 2021. Collection method: clinical testing. Allele origin: germline. Affected: yes.

Illumina Laboratory Services, Illumina
Classification: Benign for Knobloch syndrome 1. Last evaluated: 2018-01-12. Review status: criteria provided, single submitter. Criteria: ICSL Variant Classification Criteria 13 December 2019. Collection method: clinical testing. Allele origin: germline.
Comment: This variant was observed in the ICSL laboratory as part of a predisposition screen in an ostensibly healthy population. It had not been previously curated by ICSL or reported in the Human Gene Mutation Database (HGMD: prior to June 1st, 2018), and was therefore a candidate for classification through an automated scoring system. Utilizing variant allele frequency, disease prevalence and penetrance estimates, and inheritance mode, an automated score was calculated to assess if this variant is too frequent to cause the disease. Based on the score and internal cut-off values, a variant classified as benign is not then subjected to further curation. The score for this variant resulted in a classification of benign for this disease.

Breakthrough Genomics
Classification: Benign. Review status: criteria provided, single submitter. Criteria: ACMG Guidelines, 2015. Collection method: not provided. Allele origin: germline. Inheritance: Autosomal recessive inheritance. Affected: yes.